The following is an entry in ClinVar:

NM_001376.5(DYNC1H1):c.7473+5G>C

Gene: DYNC1H1 (dynein cytoplasmic 1 heavy chain 1; plus strand). Cytogenetic location: 14q32.31.
Variant type: single nucleotide variant.
Coding change: c.7473+5G>C on transcript NM_001376.5 (MANE Select); 5 bases into the intron after coding-DNA position 7473, G replaced by C.
Molecular consequence: intron variant.
Genome position (GRCh38, 1-based): chr14:102,016,091, G>C. VCF-style: chr14-102016091-G-C. GRCh37 (hg19) VCF-style: chr14-102482428-G-C.
Identifiers: ClinVar variation 3373196 (VCV003373196.1).

ClinVar aggregate classification (germline): Uncertain significance (1 of 4 stars; one submission).

Submission:

GeneDx
Classification: Uncertain significance. Last evaluated: 2024-05-01. Review status: criteria provided, single submitter. Criteria: GeneDx Variant Classification Process June 2021. Collection method: clinical testing. Allele origin: germline. Affected: yes.
Comment: Not observed at significant frequency in large population cohorts (gnomAD); In silico analysis is inconclusive as to whether the variant alters gene splicing. In the absence of RNA/functional studies, the actual effect of this sequence change is unknown.; Has not been previously published as pathogenic or benign to our knowledge